The following is an entry in ClinVar:

NM_016203.4(PRKAG2):c.1591C>G (p.Arg531Gly)

Gene: PRKAG2 (protein kinase AMP-activated non-catalytic subunit gamma 2; minus strand). Cytogenetic location: 7q36.1.
Variant type: single nucleotide variant.
Coding change: c.1591C>G on transcript NM_016203.4 (MANE Select); coding-DNA position 1591, C replaced by G.
Protein change: p.Arg531Gly; replaces arginine 531 with glycine.
Molecular consequence: missense variant.
Genome position (GRCh38, 1-based): chr7:151,560,611, G>C on the plus strand (C>G on the coding strand, the complement: PRKAG2 is on the minus strand). VCF-style: chr7-151560611-G-C. GRCh37 (hg19) VCF-style: chr7-151257697-G-C.
Other names: c.1459C>G, p.Arg487Gly (NM_001040633.2); c.1216C>G, p.Arg406Gly (NM_001304527.2); c.868C>G, p.Arg290Gly (NM_001304531.2, NM_024429.2); c.1219C>G, p.Arg407Gly (NM_001363698.2); short protein forms R531G, R290G, R407G, R406G, R487G.
Identifiers: ClinVar variation 6851 (VCV000006851.4), dbSNP rs121908990, ClinGen allele CA013874.

ClinVar aggregate classification (germline): Pathogenic. Review status: criteria provided, single submitter (1 of 4 stars). 2 submissions from 2 submitters: Pathogenic (1). 1 of the submissions does not count toward it. Last evaluated 2018-07-24.

Conditions:
Wolff-Parkinson-White syndrome, childhood-onset. Identifiers: MedGen C4016809.
Cardiovascular phenotype. Identifiers: MedGen CN230736.

Submissions (2):

Ambry Genetics
Classification: Pathogenic for Cardiovascular phenotype. Last evaluated: 2018-07-24. Review status: criteria provided, single submitter. Criteria: Ambry Variant Classification Scheme 2023. Collection method: clinical testing. Allele origin: germline.
Comment: The p.R531G pathogenic mutation (also known as c.1591C>G), located in coding exon 15 of the PRKAG2 gene, results from a C to G substitution at nucleotide position 1591. The arginine at codon 531 is replaced by glycine, an amino acid with dissimilar properties, and is located in a cystathione beta-synthase (CBS) domain. This variant has been described in a family with multiple affected individuals showing a combination of findings, including early age of onset, syncope, Wolff-Parkinson-White (WPW) syndrome, ventricular pre-excitation, and atrial fibrillation (Gollob MH et al. Circulation, 2001 Dec;104:3030-3). Mouse models with this mutation have been show to develop WPW syndrome and cardiac hypertrophy (Yang X et al. J. Biol. Chem., 2016 Nov;291:23428-23439). An alternate amino acid substitution at this position, p.R531Q (c.1592G>A), has been detected in congenital cardiomegaly cases with increased glycogen concentrations in tissues, hypertrophic cardiomyopathy (HCM), Wolff-Parkinson-White syndrome and/or other abnormal ECG findings, including several reportedly de novo cases (Burwinkel B et al. Am. J. Hum. Genet., 2005 Jun;76:1034-49; Alfares AA et al. Genet. Med., 2015 Nov;17:880-8). Based on internal structural assessment, this alteration results in loss of specific AMP recognition interactions (Xiao B et al. Nat Commun, 2013;4:3017). Additional functional studies have demonstrated impaired AMP/ATP binding, although the exact physiological impact of this finding has not been confirmed (Scott JW et al. J. Clin. Invest., 2004 Jan;113:274-84; Burwinkel B et al. Am. J. Hum. Genet., 2005 Jun;76:1034-49). Based on the supporting evidence, this alteration is interpreted as a disease-causing mutation.

OMIM
Classification: Pathogenic for WOLFF-PARKINSON-WHITE SYNDROME, CHILDHOOD-ONSET. Last evaluated: 2001-12-18. Review status: no assertion criteria provided. Collection method: literature only. Allele origin: germline. Not counted in ClinVar's aggregate classification.

Literature cited by the submitters: PubMed 11748095 (cited by Ambry Genetics and OMIM); PubMed 14722619 (cited by Ambry Genetics); PubMed 15877279 (cited by Ambry Genetics); PubMed 16339829 (cited by Ambry Genetics); PubMed 24352254 (cited by Ambry Genetics); PubMed 27621313 (cited by Ambry Genetics).